The following is an entry in ClinVar:

NM_181486.4(TBX5):c.383A>G (p.Glu128Gly)

Gene: TBX5 (T-box transcription factor 5; minus strand). Cytogenetic location: 12q24.21.
Variant type: single nucleotide variant.
Coding change: c.383A>G on transcript NM_181486.4 (MANE Select); coding-DNA position 383, A replaced by G.
Protein change: p.Glu128Gly; replaces glutamic acid 128 with glycine.
Molecular consequence: missense variant.
Genome position (GRCh38, 1-based): chr12:114,398,700, T>C on the plus strand (A>G on the coding strand, the complement: TBX5 is on the minus strand). VCF-style: chr12-114398700-T-C. GRCh37 (hg19) VCF-style: chr12-114836505-T-C.
Other names: c.383A>G, p.Glu128Gly (NM_000192.3); c.233A>G, p.Glu78Gly (NM_080717.4); short protein forms E78G, E128G.
Identifiers: ClinVar variation 1735407 (VCV001735407.2), dbSNP rs2540471672, ClinGen allele CA386862214.

ClinVar aggregate classification (germline): Uncertain significance (1 of 4 stars; one submission).

Conditions:
Cardiovascular phenotype. Identifiers: MedGen CN230736.

Submission:

Ambry Genetics
Classification: Uncertain significance for Cardiovascular phenotype. Last evaluated: 2022-05-30. Review status: criteria provided, single submitter. Criteria: Ambry Variant Classification Scheme 2023. Collection method: clinical testing. Allele origin: germline.
Comment: The p.E128G variant (also known as c.383A>G), located in coding exon 4 of the TBX5 gene, results from an A to G substitution at nucleotide position 383. The glutamic acid at codon 128 is replaced by glycine, an amino acid with similar properties. This amino acid position is conserved. In addition, this alteration is predicted to be deleterious by in silico analysis. Since supporting evidence is limited at this time, the clinical significance of this alteration remains unclear.